The following is an entry in ClinVar:

ClinVar aggregate classification (germline): Pathogenic. Review status: criteria provided, multiple submitters, no conflicts (2 of 4 stars). 8 submissions from 8 submitters: Pathogenic (6). 2 of the submissions do not count toward it. Last evaluated 2025-11-12.

Conditions:
Cardiovascular phenotype. Identifiers: MedGen CN230736.
Cardiomyopathy (CMYO). Also called: Cardiomyopathies. Identifiers: Orphanet 167848, MedGen C0878544, MONDO:0004994, HP:0001638. Inheritance: Various modes of inheritance.
Arrhythmogenic right ventricular dysplasia 9 (ARVD9). Also called: Arrhythmogenic Right Ventricular Dysplasia/Cardiomyopathy 9; ARRHYTHMOGENIC RIGHT VENTRICULAR DYSPLASIA, FAMILIAL, 9. Identifiers: MedGen C1836906, MONDO:0012180, OMIM 609040.

Allele frequency attached by ClinVar (database versions not stated): gnomAD exomes below 0.00001; TOPMed below 0.00001; ExAC 0.00001; gnomAD 0.00003.
gnomAD v4.1: 4 of 1,613,596 alleles (0.00025%); highest among the groups gnomAD compares: East Asian, 0.0022%; no homozygotes.

Submissions (8):

Labcorp Genetics (formerly Invitae), Labcorp
Classification: Pathogenic for Arrhythmogenic right ventricular dysplasia 9. Last evaluated: 2025-11-12. Review status: criteria provided, single submitter. Criteria: Invitae Variant Classification Sherloc (09022015). Collection method: clinical testing. Allele origin: germline.
Comment: This sequence change creates a premature translational stop signal (p.Arg651*) in the PKP2 gene. It is expected to result in an absent or disrupted protein product. Loss-of-function variants in PKP2 are known to be pathogenic (PMID: 15489853, 17041889, 23911551). This variant is present in population databases (rs751288871, gnomAD 0.005%). This premature translational stop signal has been observed in individual(s) with arrhythmogenic right ventricular cardiomyopathy (PMID: 15489853, 28431057, 30790397). ClinVar contains an entry for this variant (Variation ID: 201998). For these reasons, this variant has been classified as Pathogenic.

Ambry Genetics
Classification: Pathogenic for Cardiovascular phenotype. Last evaluated: 2025-10-14. Review status: criteria provided, single submitter. Criteria: Ambry Variant Classification Scheme 2023. Collection method: clinical testing. Allele origin: germline.
Comment: The p.R651* pathogenic mutation (also known as c.1951C>T), located in coding exon 9 of the PKP2 gene, results from a C to T substitution at nucleotide position 1951. This changes the amino acid from an arginine to a stop codon within coding exon 9. This alteration has been reported in individuals with arrhythmogenic right ventricular cardiomyopathy (ARVC) (Gerull B et al. Nat Genet, 2004 Nov;36:1162-4; Fressart V et al. Europace, 2010 Jun;12:861-8; Zhang M et al. Circ J, 2012 Oct;76:189-94; Bao J et al. Circ Cardiovasc Genet, 2013 Dec;6:552-6; Groeneweg JA et al. Am J Cardiol, 2013 Oct;112:1197-206; Sonoda K et al. Europace, 2017 Apr;19:644-650). In addition to the clinical data presented in the literature, this alteration is expected to result in loss of function by premature protein truncation or nonsense-mediated mRNA decay. As such, this alteration is interpreted as a disease-causing mutation.

Color Diagnostics, LLC DBA Color Health
Classification: Pathogenic for Cardiomyopathy. Last evaluated: 2022-11-07. Review status: criteria provided, single submitter. Criteria: ACMG Guidelines, 2015. Collection method: clinical testing. Allele origin: germline.
Comment: This variant changes 1 nucleotide in exon 9 of the PKP2 gene, creating a premature translation stop signal. This variant is expected to result in an absent or non-functional protein product. This variant has been reported in at least eight unrelated individuals affected with arrhythmogenic right ventricular cardiomyopathy (PMID: 15489853, 20400443, 23465095, 28431057, 30790397, 31386562). This variant has been identified in 2/282676 chromosomes in the general population by the Genome Aggregation Database (gnomAD). Loss of PKP2 function is a known mechanism of disease. Based on the available evidence, this variant is classified as Pathogenic.

Mayo Clinic Laboratories, Mayo Clinic
Classification: Pathogenic. Last evaluated: 2022-06-30. Review status: criteria provided, single submitter. Criteria: ACMG Guidelines, 2015. Collection method: clinical testing. Allele origin: germline. Observed: 1 variant allele.
Comment: PS4, PVS1

GeneDx
Classification: Pathogenic. Last evaluated: 2021-09-17. Review status: criteria provided, single submitter. Criteria: GeneDx Variant Classification Process June 2021. Collection method: clinical testing. Allele origin: germline. Affected: yes.
Comment: Not observed at a significant frequency in large population cohorts (Lek et al., 2016); Nonsense variant predicted to result in protein truncation or nonsense mediated decay in a gene for which loss-of-function is a known mechanism of disease; This variant is associated with the following publications: (PMID: 30790397, 25525159, 15489853, 27009185, 28431057, 23465095, 29178656, 18382419, 20400443, 22019812, 30847666, 31386562, 31402444, 26582918)

Juno Genomics, Hangzhou Juno Genomics, Inc
Classification: Pathogenic for Arrhythmogenic right ventricular dysplasia 9. Review status: criteria provided, single submitter. Criteria: ACMG Guidelines, 2015. Collection method: clinical testing. Allele origin: germline.
Comment: Absent from controls (or at extremely low frequency if recessive) in Genome Aggregation Database.;Null variant in a gene where loss of function (LOF) is a known mechanism of disease.;The prevalence of the variant in affected individuals is significantly increased compared to the prevalence in controls.

Clinical Genetics, Academic Medical Center
Classification: Pathogenic. Review status: no assertion criteria provided. Collection method: clinical testing. Allele origin: germline. Affected: yes. Study: VKGL Data-share Consensus. Not counted in ClinVar's aggregate classification.

Diagnostic Laboratory, Department of Genetics, University Medical Center Groningen
Classification: Pathogenic for Arrhythmogenic right ventricular dysplasia 9. Review status: no assertion criteria provided. Collection method: clinical testing. Allele origin: germline. Affected: yes. Study: VKGL Data-share Consensus. Not counted in ClinVar's aggregate classification.

Literature cited by the submitters: PubMed 15489853 (cited by 4 submitters); PubMed 17041889 (cited by Labcorp Genetics (formerly Invitae), Labcorp); PubMed 23911551 (cited by Labcorp Genetics (formerly Invitae), Labcorp); PubMed 28431057 (cited by 4 submitters); PubMed 30790397 (cited by 3 submitters); PubMed 20400443 (cited by 3 submitters); PubMed 22019812 (cited by Ambry Genetics and Mayo Clinic Laboratories, Mayo Clinic); PubMed 23871674 (cited by Ambry Genetics); PubMed 24125834 (cited by Ambry Genetics and Mayo Clinic Laboratories, Mayo Clinic); PubMed 30847666 (cited by Ambry Genetics and Mayo Clinic Laboratories, Mayo Clinic); PubMed 23465095 (cited by Color Diagnostics, LLC DBA Color Health and Mayo Clinic Laboratories, Mayo Clinic); PubMed 31386562 (cited by Color Diagnostics, LLC DBA Color Health and Mayo Clinic Laboratories, Mayo Clinic); PubMed 18382419 (cited by Mayo Clinic Laboratories, Mayo Clinic); PubMed 29178656 (cited by Mayo Clinic Laboratories, Mayo Clinic); PubMed 31402444 (cited by Mayo Clinic Laboratories, Mayo Clinic).

NM_001005242.3(PKP2):c.1819C>T (p.Arg607Ter)

Gene: PKP2 (plakophilin 2; minus strand). Cytogenetic location: 12p11.21.
Variant type: single nucleotide variant.
Coding change: c.1819C>T on transcript NM_001005242.3 (MANE Select); coding-DNA position 1819, C replaced by T.
Protein change: p.Arg607Ter; replaces arginine 607 with a stop codon.
Molecular consequence: nonsense.
Genome position (GRCh38, 1-based): chr12:32,822,487, G>A on the plus strand (C>T on the coding strand, the complement: PKP2 is on the minus strand). VCF-style: chr12-32822487-G-A. GRCh37 (hg19) VCF-style: chr12-32975421-G-A.
Other names: p.R651*:CGA>TGA; p.Arg651*; c.1951C>T, p.Arg651Ter (NM_004572.4); short protein forms R651*, R607*.
Identifiers: ClinVar variation 201998 (VCV000201998.22), dbSNP rs751288871, ClinGen allele CA011579.
Genomic context (GRCh38, chr12:32,822,487, plus strand): 5'-TCTCTCCCTTTCTCATTCTTTCAAAAACTTCCCAATATACCTCTTTTACTTTCCTGCTTC[G>A]ACTGCCAAAACATCCAATACTTTTGTTGTTGTCAGTCTGGATATTCCGGTTTTGAATATA-3'